The following is an entry in ClinVar:

NM_001122681.2(SH3BP2):c.1624G>A (p.Val542Met)

Gene: SH3BP2 (SH3 domain binding protein 2; plus strand). Cytogenetic location: 4p16.3.
Variant type: single nucleotide variant.
Coding change: c.1624G>A on transcript NM_001122681.2 (MANE Select); coding-DNA position 1624, G replaced by A.
Protein change: p.Val542Met; replaces valine 542 with methionine.
Molecular consequence: missense variant.
Genome position (GRCh38, 1-based): chr4:2,833,772, G>A. VCF-style: chr4-2833772-G-A. GRCh37 (hg19) VCF-style: chr4-2835499-G-A.
Other names: c.1708G>A, p.Val570Met (NM_001145855.2); c.1795G>A, p.Val599Met (NM_001145856.2); c.1624G>A, p.Val542Met (NM_003023.4); short protein forms V542M, V599M, V570M.
Identifiers: ClinVar variation 758469 (VCV000758469.13), dbSNP rs201983777, ClinGen allele CA2819646.

ClinVar aggregate classification (germline): Benign. Review status: criteria provided, multiple submitters, no conflicts (2 of 4 stars). 2 submissions from 2 submitters: Benign (2). Last evaluated 2025-07-28.

Conditions:
Fibrous dysplasia of jaw (CRBM). Also called: Cherubism. Identifiers: Orphanet 184, MedGen C0008029, MONDO:0007315, OMIM 118400.

Allele frequency attached by ClinVar (database versions not stated): gnomAD 0.00009 and 0.00014; TOPMed 0.00013; gnomAD exomes 0.00015 and 0.00031; 1000 Genomes Project 0.00040; ExAC 0.00043; 1000 Genomes Project 30x 0.00047.
gnomAD v4.1: 240 of 1,599,678 alleles (0.015%); highest among the groups gnomAD compares: East Asian, 0.45%; 1 homozygote.

Submissions (2):

Labcorp Genetics (formerly Invitae), Labcorp
Classification: Benign for Fibrous dysplasia of jaw. Last evaluated: 2025-07-28. Review status: criteria provided, single submitter. Criteria: Invitae Variant Classification Sherloc (09022015). Collection method: clinical testing. Allele origin: germline.

Illumina Laboratory Services, Illumina
Classification: Benign for Fibrous dysplasia of jaw. Last evaluated: 2018-01-13. Review status: criteria provided, single submitter. Criteria: ICSL Variant Classification Criteria 13 December 2019. Collection method: clinical testing. Allele origin: germline.
Comment: This variant was observed in the ICSL laboratory as part of a predisposition screen in an ostensibly healthy population. It had not been previously curated by ICSL or reported in the Human Gene Mutation Database (HGMD: prior to June 1st, 2018), and was therefore a candidate for classification through an automated scoring system. Utilizing variant allele frequency, disease prevalence and penetrance estimates, and inheritance mode, an automated score was calculated to assess if this variant is too frequent to cause the disease. Based on the score and internal cut-off values, a variant classified as benign is not then subjected to further curation. The score for this variant resulted in a classification of benign for this disease.